The following is an entry in ClinVar:

ClinVar aggregate classification (germline): Uncertain significance (1 of 4 stars; one submission).

Conditions:
Bardet-Biedl syndrome 7 (BBS7). Identifiers: Orphanet 110, MedGen C1859565, MONDO:0014435, OMIM 615984.

Submission:

Neuberg Centre For Genomic Medicine, NCGM
Classification: Uncertain significance for Bardet-Biedl syndrome 7. Review status: criteria provided, single submitter. Criteria: ACMG Guidelines, 2015. Collection method: clinical testing. Allele origin: germline. Inheritance: Autosomal recessive inheritance. Affected: yes.
Comment: The c.12_35dup (p.Leu11_Gln12insHisLeuAsnArgMetAspTyrLeu) inframe insertion variant in BBS7 gene has not been reported previously as a pathogenic variant nor as a benign variant, to our knowledge. The p.Leu11_Gln12insHisLeuAsnArgMetAspTyrLeu variant is novel (not in any individuals) in gnomAD Exomes and is novel (not in any individuals) in 1000 Genomes. The insertion of amino acid HisLeuAsnArgMetAspTyrLeu between amino acids Leu at position 11 and Gln at position 12 changing protein sequence and it might alter its composition and physico-chemical properties. However, since this inframe insertion is not expected to cause protein truncation, the above variant has been classified as VUS.

NM_176824.3(BBS7):c.12_35dup (p.Leu11_Gln12insHisLeuAsnArgMetAspTyrLeu)

Genes: BBS7 (Bardet-Biedl syndrome 7; minus strand), LOC129993036 (ATAC-STARR-seq lymphoblastoid active region 21872; plus strand). Cytogenetic location: 4q27.
Variant type: Duplication.
Coding change: c.12_35dup on transcript NM_176824.3 (MANE Select); coding-DNA positions 12 to 35, 24 bases duplicated (TTTAAACCGAATGGATTATCTGCA).
Protein change: p.Leu11_Gln12insHisLeuAsnArgMetAspTyrLeu.
Molecular consequence: inframe insertion.
Genome position (GRCh38, 1-based): chr4:121,870,279-121,870,302, TGCAGATAATCCATTCGGTTTAAA duplicated on the plus strand (TTTAAACCGAATGGATTATCTGCA on the coding strand, the reverse complement: BBS7 is on the minus strand). VCF-style (leftmost placement, unchanged base first): chr4-121870278-C-CTGCAGATAATCCATTCGGTTTAAA. GRCh37 (hg19) VCF-style: chr4-122791433-C-CTGCAGATAATCCATTCGGTTTAAA.
Other names: c.12_35dup, p.Leu11_Gln12insHisLeuAsnArgMetAspTyrLeu (NM_018190.4).
Identifiers: ClinVar variation 2585093 (VCV002585093.1), dbSNP rs2476661988, ClinGen allele CA2582341566.